The following is an entry in ClinVar:

ClinVar aggregate classification (germline): Uncertain significance (1 of 4 stars; one submission).

Submission:

Labcorp Genetics (formerly Invitae), Labcorp
Classification: Uncertain significance. Last evaluated: 2022-02-28. Review status: criteria provided, single submitter. Criteria: Invitae Variant Classification Sherloc (09022015). Collection method: clinical testing. Allele origin: germline.
Comment: In summary, the available evidence is currently insufficient to determine the role of this variant in disease. Therefore, it has been classified as a Variant of Uncertain Significance. Algorithms developed to predict the effect of missense changes on protein structure and function are either unavailable or do not agree on the potential impact of this missense change (SIFT: "Deleterious"; PolyPhen-2: "Probably Damaging"; Align-GVGD: "Class C15"). This sequence change replaces histidine, which is basic and polar, with glutamine, which is neutral and polar, at codon 2021 of the NSD1 protein (p.His2021Gln). This variant is not present in population databases (gnomAD no frequency). This variant has not been reported in the literature in individuals affected with NSD1-related conditions.

NM_022455.5(NSD1):c.6063T>A (p.His2021Gln)

Gene: NSD1 (nuclear receptor binding SET domain protein 1; plus strand). Cytogenetic location: 5q35.3.
Variant type: single nucleotide variant.
Coding change: c.6063T>A on transcript NM_022455.5 (MANE Select); coding-DNA position 6063, T replaced by A.
Protein change: p.His2021Gln; replaces histidine 2021 with glutamine.
Molecular consequence: missense variant.
Genome position (GRCh38, 1-based): chr5:177,283,840, T>A. VCF-style: chr5-177283840-T-A. GRCh37 (hg19) VCF-style: chr5-176710841-T-A.
Other names: c.5190T>A, p.His1730Gln (NM_001365684.2, NM_001409308.1, NM_172349.5); c.6063T>A, p.His2021Gln (NM_001409301.1, NM_001409302.1, NM_001409303.1); c.5643T>A, p.His1881Gln (NM_001409304.1); c.5310T>A, p.His1770Gln (NM_001409305.1); c.5301T>A, p.His1767Gln (NM_001409306.1, NM_001409307.1); short protein forms H1752Q, H1767Q, H1881Q, H1730Q, H1770Q, H2021Q.
Identifiers: ClinVar variation 2104635 (VCV002104635.4), dbSNP rs2127262963, ClinGen allele CA362316355.